The following is an entry in ClinVar:

ClinVar aggregate classification (germline): Uncertain significance (1 of 4 stars; one submission).

Conditions:
Emery-Dreifuss muscular dystrophy 4, autosomal dominant (EDMD4). Also called: EMERY-DREIFUSS MUSCULAR DYSTROPHY 4 WITH VARIABLE FEATURES. Identifiers: Orphanet 261, MedGen C2751807, MONDO:0013071, OMIM 612998.
Autosomal recessive ataxia, Beauce type. Also called: Spinocerebellar ataxia, autosomal recessive 8; ATAXIA, RECESSIVE, OF BEAUCE; SYNE1 Deficiency; SYNE1-Related Autosomal Recessive Cerebellar Ataxia. Identifiers: Orphanet 88644, MedGen C1853116, MONDO:0012549, OMIM 610743.

gnomAD v4.1: 2 of 1,614,194 alleles (0.00012%); highest among the groups gnomAD compares: Non-Finnish European, 0.00017%; no homozygotes.

Submission:

Labcorp Genetics (formerly Invitae), Labcorp
Classification: Uncertain significance for Emery-Dreifuss muscular dystrophy 4, autosomal dominant; Autosomal recessive ataxia, Beauce type. Last evaluated: 2021-03-22. Review status: criteria provided, single submitter. Criteria: Invitae Variant Classification Sherloc (09022015). Collection method: clinical testing. Allele origin: germline.
Comment: In summary, the available evidence is currently insufficient to determine the role of this variant in disease. Therefore, it has been classified as a Variant of Uncertain Significance. Algorithms developed to predict the effect of missense changes on protein structure and function are either unavailable or do not agree on the potential impact of this missense change (SIFT: "Deleterious"; PolyPhen-2: "Benign"; Align-GVGD: "Class C15"). This variant has not been reported in the literature in individuals with SYNE1-related conditions. This variant is not present in population databases (ExAC no frequency). This sequence change replaces asparagine with tyrosine at codon 3290 of the SYNE1 protein (p.Asn3290Tyr). The asparagine residue is highly conserved and there is a large physicochemical difference between asparagine and tyrosine.

NM_182961.4(SYNE1):c.9847A>T (p.Asn3283Tyr)

Gene: SYNE1 (spectrin repeat containing nuclear envelope protein 1; minus strand). Cytogenetic location: 6q25.2.
Variant type: single nucleotide variant.
Coding change: c.9847A>T on transcript NM_182961.4 (MANE Select); coding-DNA position 9847, A replaced by T.
Protein change: p.Asn3283Tyr; replaces asparagine 3283 with tyrosine.
Molecular consequence: missense variant.
Genome position (GRCh38, 1-based): chr6:152,367,343, T>A on the plus strand (A>T on the coding strand, the complement: SYNE1 is on the minus strand). VCF-style: chr6-152367343-T-A. GRCh37 (hg19) VCF-style: chr6-152688478-T-A.
Other names: c.9868A>T, p.Asn3290Tyr (NM_033071.5); short protein forms N3283Y, N3290Y.
Identifiers: ClinVar variation 1446260 (VCV001446260.8), dbSNP rs745707616, ClinGen allele CA366135887.